The following is an entry in ClinVar:

NM_007294.4(BRCA1):c.3227G>T (p.Arg1076Ile)

Genes: BRCA1 (BRCA1 DNA repair associated; minus strand), LOC126862571 (BRD4-independent group 4 enhancer GRCh37_chr17:41243136-41244335; plus strand). Cytogenetic location: 17q21.31.
Variant type: single nucleotide variant.
Coding change: c.3227G>T on transcript NM_007294.4 (MANE Select); coding-DNA position 3227, G replaced by T.
Protein change: p.Arg1076Ile; replaces arginine 1076 with isoleucine.
Molecular consequence: missense variant. On other transcripts: intron variant (137).
Genome position (GRCh38, 1-based): chr17:43,092,304, C>A on the plus strand (G>T on the coding strand, the complement: BRCA1 is on the minus strand). VCF-style: chr17-43092304-C-A. GRCh37 (hg19) VCF-style: chr17-41244321-C-A.
Other names: c.548-1272G>T (NM_001408494.1); c.3227G>T, p.Arg1076Ile (NM_001407617.1, NM_001407623.1, NM_001407621.1 and 30 more transcripts); c.665-1272G>T (NM_001408444.1, NM_001408438.1, NM_001408430.1 and 12 more transcripts); c.671-1272G>T (NM_001408423.1, NM_001408420.1, NM_001408419.1 and 2 more transcripts); c.788-1272G>T (NM_001408472.1, NM_001408404.1, NM_001407990.1 and 17 more transcripts); c.3083G>T, p.Arg1028Ile (NM_001407846.1, NM_001407847.1, NM_001407848.1 and 20 more transcripts); c.3086G>T, p.Arg1029Ile (NM_001407850.1, NM_001407851.1, NM_001407852.1 and 29 more transcripts); c.3014G>T, p.Arg1005Ile (NM_001407853.1, NM_001407894.1, NM_001407895.1 and 9 more transcripts); and 41 more; short protein forms R1076I, R1029I, R1006I, R1028I, R1073I, R1075I, R908I, R964I.
Identifiers: ClinVar variation 230930 (VCV000230930.16), dbSNP rs80357313, ClinGen allele CA10580574.

ClinVar aggregate classification (germline): Conflicting classifications of pathogenicity. Review status: criteria provided, conflicting classifications (1 of 4 stars). 3 submissions from 3 submitters: Uncertain significance (2); Likely benign (1). Last evaluated 2023-03-23.

Conditions:
Hereditary cancer-predisposing syndrome. Also called: Neoplastic Syndromes, Hereditary; Tumor predisposition; Hereditary Cancer Syndrome; Hereditary neoplastic syndrome. Identifiers: Orphanet 140162, MedGen C0027672, MeSH D009386, MONDO:0015356.
Hereditary breast ovarian cancer syndrome. Also called: BRCA1- and BRCA2-Associated Hereditary Breast and Ovarian Cancer; Hereditary breast and ovarian cancer syndrome; Hereditary breast and ovarian cancer; Hereditary breast and ovarian cancer syndrome (HBOC); Breast and ovarian cancer; Hereditary breast and/or ovarian cancer syndrome. Identifiers: Orphanet 145, MedGen C0677776, MeSH D061325, MONDO:0003582. Disease mechanism: loss of function.

Submissions (3):

University of Washington Department of Laboratory Medicine, University of Washington
Classification: Likely benign for Hereditary cancer-predisposing syndrome. Last evaluated: 2023-03-23. Review status: criteria provided, single submitter. Criteria: Dines et al. (Genet Med. 2020). Collection method: curation. Allele origin: germline.
Comment: Missense variant in a coldspot region where missense variants are very unlikely to be pathogenic (PMID:31911673).

BRCA1 coldspot (exon 11 using historical exon numbering). Reclassification based on statistical prior probability

Labcorp Genetics (formerly Invitae), Labcorp
Classification: Uncertain significance for Hereditary breast ovarian cancer syndrome. Last evaluated: 2017-05-02. Review status: criteria provided, single submitter. Criteria: Invitae Variant Classification Sherloc (09022015). Collection method: clinical testing. Allele origin: germline.
Comment: This variant is not present in population databases (ExAC no frequency) and has not been reported in the literature in individuals with a BRCA1-related disease. ClinVar contains an entry for this variant (Variation ID: 230930). This sequence change replaces arginine with isoleucine at codon 1076 of the BRCA1 protein (p.Arg1076Ile). The arginine residue is moderately conserved and there is a moderate physicochemical difference between arginine and isoleucine. Algorithms developed to predict the effect of missense changes on protein structure and function do not agree on the potential impact of this missense change (SIFT: "Tolerated"; PolyPhen-2: "Probably Damaging"; Align-GVGD: "Class C0"). In summary, this variant is a rare missense change with uncertain impact on protein function. It has been classified as a Variant of Uncertain Significance.

Ambry Genetics
Classification: Uncertain significance for Hereditary cancer-predisposing syndrome. Last evaluated: 2015-03-12. Review status: criteria provided, single submitter. Criteria: Ambry Variant Classification Scheme 2023. Collection method: clinical testing. Allele origin: germline.
Comment: The p.R1076I variant (also known as c.3227G>T or 3346G>T), located in coding exon 9 of the BRCA1 gene, results from a G to T substitution at nucleotide position 3227. The arginine at codon 1076 is replaced by isoleucine, an amino acid with similar properties. This variant was not reported in population based cohorts in the following databases: Database of Single Nucleotide Polymorphisms (dbSNP), NHLBI Exome Sequencing Project (ESP), and 1000 Genomes Project. In the ESP, this variant was not observed in 6503 samples (13006 alleles) with coverage of 6503 at this position. To date, this alteration has been detected with an allele frequency of approximately 0.001% (greater than 105000 alleles tested) in our clinical cohort. This amino acid position is not well conserved in available vertebrate species. In addition, the in silico prediction for this alteration is inconclusive. Since supporting evidence is limited at this time, the clinical significance of p.R1076I remains unclear.